The following is an entry in ClinVar:

ClinVar aggregate classification (germline): Uncertain significance. Review status: criteria provided, multiple submitters, no conflicts (2 of 4 stars). 2 submissions from 2 submitters: Uncertain significance (2). Last evaluated 2023-11-18.

Conditions:
Progressive sclerosing poliodystrophy (MTDPS4A). Also called: ALPERS PROGRESSIVE INFANTILE POLIODYSTROPHY; NEURONAL DEGENERATION OF CHILDHOOD WITH LIVER DISEASE, PROGRESSIVE; Alpers Syndrome; ALPERS DIFFUSE DEGENERATION OF CEREBRAL GRAY MATTER WITH HEPATIC CIRRHOSIS; Alpers-Huttenlocher Syndrome; Mitochondrial DNA depletion syndrome 4A (Alpers type). Identifiers: Orphanet 726, MedGen C0205710, MONDO:0008758, OMIM 203700.

Submissions (2):

GeneDx
Classification: Uncertain significance. Last evaluated: 2023-11-18. Review status: criteria provided, single submitter. Criteria: GeneDx Variant Classification Process June 2021. Collection method: clinical testing. Allele origin: germline. Affected: yes.
Comment: Not observed at significant frequency in large population cohorts (gnomAD); In silico analysis supports that this missense variant does not alter protein structure/function; Has not been previously published as pathogenic or benign to our knowledge

Labcorp Genetics (formerly Invitae), Labcorp
Classification: Uncertain significance for Progressive sclerosing poliodystrophy. Last evaluated: 2023-10-08. Review status: criteria provided, single submitter. Criteria: Invitae Variant Classification Sherloc (09022015). Collection method: clinical testing. Allele origin: germline.
Comment: This sequence change replaces serine, which is neutral and polar, with proline, which is neutral and non-polar, at codon 29 of the POLG protein (p.Ser29Pro). This variant is not present in population databases (gnomAD no frequency). This variant has not been reported in the literature in individuals affected with POLG-related conditions. Advanced modeling of protein sequence and biophysical properties (such as structural, functional, and spatial information, amino acid conservation, physicochemical variation, residue mobility, and thermodynamic stability) has been performed at Invitae for this missense variant, however the output from this modeling did not meet the statistical confidence thresholds required to predict the impact of this variant on POLG protein function. In summary, the available evidence is currently insufficient to determine the role of this variant in disease. Therefore, it has been classified as a Variant of Uncertain Significance.

NM_002693.3(POLG):c.85T>C (p.Ser29Pro)

Genes: POLG (DNA polymerase gamma, catalytic subunit; minus strand), POLGARF (POLG alternative reading frame; minus strand). Cytogenetic location: 15q26.1.
Variant type: single nucleotide variant.
Coding change: c.85T>C on transcript NM_002693.3 (MANE Select); coding-DNA position 85, T replaced by C.
Protein change: p.Ser29Pro; replaces serine 29 with proline.
Molecular consequence: missense variant.
Genome position (GRCh38, 1-based): chr15:89,333,670, A>G on the plus strand (T>C on the coding strand, the complement: POLG is on the minus strand). VCF-style: chr15-89333670-A-G. GRCh37 (hg19) VCF-style: chr15-89876901-A-G.
Other names: c.85T>C, p.Ser29Pro (NM_001126131.2); short protein forms S29P.
Identifiers: ClinVar variation 2766959 (VCV002766959.4), dbSNP rs2509277986, ClinGen allele CA393774901.
Genomic context (GRCh38, chr15:89,333,670, plus strand): 5'-GCTGCTGCTGCTGCTGCTGCCGCCGCCGCTGCCCGTCGCTGGGGTCGGACGCGGGGACGG[A>G]GCTGGAGACCCAGCGCCCCGGAGCTGGAACCGGCCCTGGCCCGACGGTGGCGCCGGCCAC-3'
Protein context (NP_002684.1, residues 19-39): VPAPGRWVSS[Ser29Pro]VPASDPSDGQ